The following is an entry in ClinVar:

NM_001007553.3(CSDE1):c.989G>A (p.Arg330Gln)

Gene: CSDE1 (cold shock domain containing E1; minus strand). Cytogenetic location: 1p13.2.
Variant type: single nucleotide variant.
Coding change: c.989G>A on transcript NM_001007553.3 (MANE Select); coding-DNA position 989, G replaced by A.
Protein change: p.Arg330Gln; replaces arginine 330 with glutamine.
Molecular consequence: missense variant.
Genome position (GRCh38, 1-based): chr1:114,732,665, C>T on the plus strand (G>A on the coding strand, the complement: CSDE1 is on the minus strand). VCF-style: chr1-114732665-C-T. GRCh37 (hg19) VCF-style: chr1-115275286-C-T.
Other names: c.1034G>A, p.Arg345Gln (NM_001130523.3); c.1127G>A, p.Arg376Gln (NM_001242891.2); c.989G>A, p.Arg330Gln (NM_001242892.2); c.896G>A, p.Arg299Gln (NM_001242893.2, NM_007158.6); short protein forms R299Q, R330Q, R345Q, R376Q.
Identifiers: ClinVar variation 1677041 (VCV001677041.1), dbSNP rs777390495, ClinGen allele CA1021155.

ClinVar aggregate classification (germline): Uncertain significance (1 of 4 stars; one submission).

Allele frequency attached by ClinVar (database versions not stated): gnomAD exomes below 0.00001; ExAC 0.00001; gnomAD 0.00001; TOPMed 0.00002.

Submission:

Women's Health and Genetics/Laboratory Corporation of America, LabCorp
Classification: Uncertain significance. Last evaluated: 2022-03-08. Review status: criteria provided, single submitter. Criteria: LabCorp Variant Classification Summary - May 2015. Collection method: clinical testing. Allele origin: germline.
Comment: Variant summary: CSDE1 c.989G>A (p.Arg330Gln) results in a conservative amino acid change located in the Cold-shock protein, DNA-binding domain of the encoded protein sequence. Three of five in-silico tools predict a benign effect of the variant on protein function. The variant allele was found at a frequency of 4e-06 in 251446 control chromosomes. The available data on variant occurrences in the general population are insufficient to allow any conclusion about variant significance. To our knowledge, no occurrence of c.989G>A in individuals affected with CSDE1-Related Disorders and no experimental evidence demonstrating its impact on protein function have been reported. No clinical diagnostic laboratories have submitted clinical-significance assessments for this variant to ClinVar after 2014. Based on the evidence outlined above, the variant was classified as uncertain significance.